The following is an entry in ClinVar:

NM_000153.4(GALC):c.1671-1G>A

Gene: GALC (galactosylceramidase; minus strand). Cytogenetic location: 14q31.3.
Variant type: single nucleotide variant.
Coding change: c.1671-1G>A on transcript NM_000153.4 (MANE Select); the canonical splice acceptor site of the intron before coding-DNA position 1671, G replaced by A.
Molecular consequence: splice acceptor variant.
Genome position (GRCh38, 1-based): chr14:87,941,559, C>T on the plus strand (G>A on the coding strand, the complement: GALC is on the minus strand). VCF-style: chr14-87941559-C-T. GRCh37 (hg19) VCF-style: chr14-88407903-C-T.
Other names: c.1593-1G>A (NM_001201402.2); c.1602-1G>A (NM_001201401.2).
Identifiers: ClinVar variation 632221 (VCV000632221.17), dbSNP rs1182103005, ClinGen allele CA390745933.

ClinVar aggregate classification (germline): Pathogenic/Likely pathogenic. Review status: criteria provided, multiple submitters, no conflicts (2 of 4 stars). 6 submissions from 6 submitters: Pathogenic (5); Likely pathogenic (1). Last evaluated 2024-11-09.

Conditions:
Galactosylceramide beta-galactosidase deficiency. Also called: Krabbe Disease; Leukodystrophy, Globoid Cell; GALACTOCEREBROSIDASE DEFICIENCY; GALC DEFICIENCY; GLOBOID CELL LEUKOENCEPHALOPATHY. Identifiers: Orphanet 487, MedGen C0023521, MONDO:0009499, OMIM 245200.
GALC-related disorders.

Allele frequency attached by ClinVar (database versions not stated): gnomAD exomes below 0.00001; gnomAD 0.00002; TOPMed 0.00002.
gnomAD v4.1: 5 of 1,566,828 alleles (0.00032%); highest among the groups gnomAD compares: African/African-American, 0.0054%; no homozygotes.

Submissions (6):

Natera, Inc.
Classification: Pathogenic for Galactosylceramide beta-galactosidase deficiency. Last evaluated: 2024-11-09. Review status: criteria provided, single submitter. Criteria: Natera Variant Classification Schema (03/2026). Collection method: clinical testing. Allele origin: germline.
Comment: The c.1671-1G>A variant in GALC is a canonical splice acceptor site variant predicted to affect pre-mRNA splicing, which may result in an abnormal transcript and altered protein product. This variant is expected to result in nonsense mediated decay, truncation, or a dysfunctional protein product. This variant is rare in the general population with a frequency below the threshold expected for the associated phenotype(s). This variant has been observed in one or more individuals affected with the associated recessive disease, as either homozygous or compound heterozygous with a second variant (PMID: 32089546). Given the available evidence, this variant is classified as Pathogenic.

Labcorp Genetics (formerly Invitae), Labcorp
Classification: Pathogenic for Galactosylceramide beta-galactosidase deficiency. Last evaluated: 2024-08-21. Review status: criteria provided, single submitter. Criteria: Invitae Variant Classification Sherloc (09022015). Collection method: clinical testing. Allele origin: germline.
Comment: This sequence change affects an acceptor splice site in intron 14 of the GALC gene. It is expected to disrupt RNA splicing. Variants that disrupt the donor or acceptor splice site typically lead to a loss of protein function (PMID: 16199547), and loss-of-function variants in GALC are known to be pathogenic (PMID: 7437911, 9272171, 16607461). This variant is present in population databases (no rsID available, gnomAD 0.01%). Disruption of this splice site has been observed in individuals with Krabbe disease (PMID: 32089546). ClinVar contains an entry for this variant (Variation ID: 632221). Algorithms developed to predict the effect of sequence changes on RNA splicing suggest that this variant may disrupt the consensus splice site. For these reasons, this variant has been classified as Pathogenic.

GeneDx
Classification: Pathogenic. Last evaluated: 2024-08-16. Review status: criteria provided, single submitter. Criteria: GeneDx Variant Classification Process June 2021. Collection method: clinical testing. Allele origin: germline. Affected: yes.
Comment: Canonical splice site variant predicted to result in a null allele in a gene for which loss of function is a known mechanism of disease; Not observed at significant frequency in large population cohorts (gnomAD); This variant is associated with the following publications: (PMID: 9272171, 16607461, 16199547, 7437911, 32089546)

Fulgent Genetics
Classification: Pathogenic for Galactosylceramide beta-galactosidase deficiency. Last evaluated: 2024-04-19. Review status: criteria provided, single submitter. Criteria: ACMG Guidelines, 2015. Collection method: clinical testing. Allele origin: germline.

Myriad Genetics, Inc.
Classification: Pathogenic for Galactosylceramide beta-galactosidase deficiency. Last evaluated: 2021-11-17. Review status: criteria provided, single submitter. Criteria: Myriad Women's Health Autosomal Recessive and X-Linked Classification Criteria (2021). Collection method: clinical testing. Allele origin: unknown.
Comment: NM_000153.3(GALC):c.1671-1G>A is a canonical splice variant classified as pathogenic in the context of Krabbe disease. c.1671-1G>A has been observed in cases with relevant disease (PMID: 32089546). Functional assessments of this variant are not available in the literature. c.1671-1G>A has been observed in population frequency databases (gnomAD: ASJ 0.01%). In summary, NM_000153.3(GALC):c.1671-1G>A is a canonical splice variant in a gene where loss of function is a known mechanism of disease, is predicted to disrupt protein function, and has been observed more frequently in cases with the relevant disease than in healthy populations. Please note: this variant was assessed in the context of healthy population screening.

Blueprint Genetics
Classification: Likely pathogenic for GALC-related disorders. Last evaluated: 2019-05-17. Review status: criteria provided, single submitter. Criteria: ACMG Guidelines, 2015. Collection method: clinical testing. Allele origin: germline. Affected: yes. Observed: 1 variant allele.

Literature cited by the submitters: PubMed 32089546 (cited by 3 submitters); PubMed 16199547 (cited by Labcorp Genetics (formerly Invitae), Labcorp); PubMed 7437911 (cited by Labcorp Genetics (formerly Invitae), Labcorp); PubMed 9272171 (cited by Labcorp Genetics (formerly Invitae), Labcorp); PubMed 16607461 (cited by Labcorp Genetics (formerly Invitae), Labcorp).